The following is an entry in ClinVar:

ClinVar aggregate classification (germline): Uncertain significance (1 of 4 stars; one submission).

Conditions:
Hermansky-Pudlak syndrome 2 (HPS2). Also called: Platelet defects and oculocutaneous albinism. Identifiers: Orphanet 183678, Orphanet 79430, MedGen C1842362, MONDO:0011997, OMIM 608233.

Submission:

Labcorp Genetics (formerly Invitae), Labcorp
Classification: Uncertain significance for Hermansky-Pudlak syndrome 2. Last evaluated: 2025-12-02. Review status: criteria provided, single submitter. Criteria: Invitae Variant Classification Sherloc (09022015). Collection method: clinical testing. Allele origin: germline.
Comment: This sequence change replaces lysine, which is basic and polar, with glutamic acid, which is acidic and polar, at codon 1048 of the AP3B1 protein (p.Lys1048Glu). This variant is not present in population databases (gnomAD no frequency). This variant has not been reported in the literature in individuals affected with AP3B1-related conditions. An algorithm developed to predict the effect of missense changes on protein structure and function (PolyPhen-2) suggests that this variant is likely to be tolerated. In summary, the available evidence is currently insufficient to determine the role of this variant in disease. Therefore, it has been classified as a Variant of Uncertain Significance.

NM_003664.5(AP3B1):c.3142A>G (p.Lys1048Glu)

Gene: AP3B1 (adaptor related protein complex 3 subunit beta 1; minus strand). Cytogenetic location: 5q14.1.
Variant type: single nucleotide variant.
Coding change: c.3142A>G on transcript NM_003664.5 (MANE Select); coding-DNA position 3142, A replaced by G.
Protein change: p.Lys1048Glu; replaces lysine 1048 with glutamic acid.
Molecular consequence: missense variant.
Genome position (GRCh38, 1-based): chr5:78,003,045, T>C on the plus strand (A>G on the coding strand, the complement: AP3B1 is on the minus strand). VCF-style: chr5-78003045-T-C. GRCh37 (hg19) VCF-style: chr5-77298869-T-C.
Other names: c.2995A>G, p.Lys999Glu (NM_001271769.2); short protein forms K1048E, K999E.
Identifiers: ClinVar variation 4731811 (VCV004731811.1).